The following is an entry in ClinVar:

ClinVar aggregate classification (germline): Uncertain significance. Review status: criteria provided, multiple submitters, no conflicts (2 of 4 stars). 2 submissions from 2 submitters: Uncertain significance (2). Last evaluated 2024-02-24.

Allele frequency attached by ClinVar (database versions not stated): ExAC 0.00001; gnomAD exomes 0.00001; gnomAD 0.00002 and 0.00003; TOPMed 0.00003; 1000 Genomes Project 30x 0.00016; 1000 Genomes Project 0.00020.
gnomAD v4.1: 16 of 1,586,666 alleles (0.001%); highest among the groups gnomAD compares: African/African-American, 0.0054%; no homozygotes.

Submissions (2):

Labcorp Genetics (formerly Invitae), Labcorp
Classification: Uncertain significance. Last evaluated: 2024-02-24. Review status: criteria provided, single submitter. Criteria: Invitae Variant Classification Sherloc (09022015). Collection method: clinical testing. Allele origin: germline.
Comment: This sequence change replaces methionine, which is neutral and non-polar, with valine, which is neutral and non-polar, at codon 36 of the GINS1 protein (p.Met36Val). This variant is present in population databases (rs190474037, gnomAD 0.01%). This variant has not been reported in the literature in individuals affected with GINS1-related conditions. ClinVar contains an entry for this variant (Variation ID: 1365638). An algorithm developed to predict the effect of missense changes on protein structure and function (PolyPhen-2) suggests that this variant is likely to be disruptive. In summary, the available evidence is currently insufficient to determine the role of this variant in disease. Therefore, it has been classified as a Variant of Uncertain Significance.

Ambry Genetics
Classification: Uncertain significance. Last evaluated: 2022-08-08. Review status: criteria provided, single submitter. Criteria: Ambry Variant Classification Scheme 2023. Collection method: clinical testing. Allele origin: germline.

NM_021067.5(GINS1):c.106A>G (p.Met36Val)

Gene: GINS1 (GINS complex subunit 1; plus strand). Cytogenetic location: 20p11.21.
Variant type: single nucleotide variant.
Coding change: c.106A>G on transcript NM_021067.5 (MANE Select); coding-DNA position 106, A replaced by G.
Protein change: p.Met36Val; replaces methionine 36 with valine.
Molecular consequence: missense variant. On other transcripts: non-coding transcript variant (1).
Genome position (GRCh38, 1-based): chr20:25,413,820, A>G. VCF-style: chr20-25413820-A-G. GRCh37 (hg19) VCF-style: chr20-25394456-A-G.
Other names: c.106A>G (NM_021067.3); short protein forms M36V.
Identifiers: ClinVar variation 1365638 (VCV001365638.9), dbSNP rs190474037, ClinGen allele CA9796409.